The following is an entry in ClinVar:

NM_004714.3(DYRK1B):c.1556G>T (p.Gly519Val)

Gene: DYRK1B (dual specificity tyrosine phosphorylation regulated kinase 1B; minus strand). Cytogenetic location: 19q13.2.
Variant type: single nucleotide variant.
Coding change: c.1556G>T on transcript NM_004714.3 (MANE Select); coding-DNA position 1556, G replaced by T.
Protein change: p.Gly519Val; replaces glycine 519 with valine.
Molecular consequence: missense variant.
Genome position (GRCh38, 1-based): chr19:39,826,049, C>A on the plus strand (G>T on the coding strand, the complement: DYRK1B is on the minus strand). VCF-style: chr19-39826049-C-A. GRCh37 (hg19) VCF-style: chr19-40316689-C-A.
Other names: c.1436G>T, p.Gly479Val (NM_006483.3); c.1472G>T, p.Gly491Val (NM_006484.3); short protein forms G479V, G491V, G519V.
Identifiers: ClinVar variation 3355202 (VCV003355202.1).

ClinVar aggregate classification (germline): Uncertain significance (0 of 4 stars; one submission).

Conditions:
DYRK1B-related disorder. Also called: DYRK1B-related condition.

gnomAD v4.1: 4 of 1,517,874 alleles (0.00026%); highest among the groups gnomAD compares: Admixed American, 0.0023%; no homozygotes.

Submission:

PreventionGenetics, part of Exact Sciences
Classification: Uncertain significance for DYRK1B-related condition. Last evaluated: 2024-09-03. Review status: no assertion criteria provided. Collection method: clinical testing. Allele origin: germline.
Comment: The DYRK1B c.1556G>T variant is predicted to result in the amino acid substitution p.Gly519Val. To our knowledge, this variant has not been reported in the literature. This variant is reported in 0.0012% of alleles in individuals of European (Non-Finnish) descent in gnomAD. At this time, the clinical significance of this variant is uncertain due to the absence of conclusive functional and genetic evidence.